The following is an entry in ClinVar:

NM_015559.3(SETBP1):c.1598C>T (p.Thr533Ile)

Gene: SETBP1 (SET binding protein 1; plus strand). Cytogenetic location: 18q12.3.
Variant type: single nucleotide variant.
Coding change: c.1598C>T on transcript NM_015559.3 (MANE Select); coding-DNA position 1598, C replaced by T.
Protein change: p.Thr533Ile; replaces threonine 533 with isoleucine.
Molecular consequence: missense variant.
Genome position (GRCh38, 1-based): chr18:44,950,938, C>T. VCF-style: chr18-44950938-C-T. GRCh37 (hg19) VCF-style: chr18-42530903-C-T.
Other names: c.1598C>T, p.Thr533Ile (NM_001379141.1, NM_001379142.1); short protein forms T533I.
Identifiers: ClinVar variation 1484056 (VCV001484056.9), dbSNP rs2145099229, ClinGen allele CA402318867.

ClinVar aggregate classification (germline): Conflicting classifications of pathogenicity. Review status: criteria provided, conflicting classifications (1 of 4 stars). 2 submissions from 2 submitters: Uncertain significance (1); Benign (1). Last evaluated 2024-12-31.

Allele frequency attached by ClinVar (database versions not stated): gnomAD exomes below 0.00001.
gnomAD v4.1: 2 of 1,614,148 alleles (0.00012%); highest among the groups gnomAD compares: Non-Finnish European, 0.000085%; no homozygotes.

Submissions (2):

Labcorp Genetics (formerly Invitae), Labcorp
Classification: Benign. Last evaluated: 2024-12-31. Review status: criteria provided, single submitter. Criteria: Invitae Variant Classification Sherloc (09022015). Collection method: clinical testing. Allele origin: germline.

GeneDx
Classification: Uncertain significance. Last evaluated: 2024-11-27. Review status: criteria provided, single submitter. Criteria: GeneDx Variant Classification Process June 2021. Collection method: clinical testing. Allele origin: germline. Affected: yes.
Comment: Not observed at significant frequency in large population cohorts (gnomAD); In silico analysis indicates that this missense variant does not alter protein structure/function; Has not been previously published as pathogenic or benign to our knowledge